The following is an entry in ClinVar:

NM_018972.4(GDAP1):c.246_256del (p.Gly83fs)

Gene: GDAP1 (ganglioside induced differentiation associated protein 1; plus strand). Cytogenetic location: 8q21.11.
Variant type: Deletion.
Coding change: c.246_256del on transcript NM_018972.4 (MANE Select); coding-DNA positions 246 to 256, 11 bases deleted (CGGGGAAAACA).
Protein change: p.Gly83fs; shifts the reading frame from glycine 83.
Molecular consequence: frameshift variant. On other transcripts: intron variant (2).
Genome position (GRCh38, 1-based): chr8:74,351,402-74,351,412, CGGGGAAAACA deleted; deleting any 11 consecutive bases within chr8:74,351,400-74,351,412 gives the same sequence; the c. name uses the placement nearest the transcript's 3' end. VCF-style (leftmost placement, unchanged base first): chr8-74351399-CCACGGGGAAAA-C. GRCh37 (hg19) VCF-style: chr8-75263634-CCACGGGGAAAA-C.
Other names: c.42_52del, p.Gly15fs (NM_001040875.4); c.246_256del, p.Gly83fs (NM_001362930.2, NM_001362931.2); c.-18+81_-18+91del (NM_001362929.2); c.-18+824_-18+834del (NM_001362932.2); short protein forms G83fs, G15fs.
Identifiers: ClinVar variation 2584969 (VCV002584969.1), dbSNP rs2536725063, ClinGen allele CA2582341964.

ClinVar aggregate classification (germline): Likely pathogenic (1 of 4 stars; one submission).

Conditions:
Charcot-Marie-Tooth disease type 4A. Also called: Charcot-Marie-Tooth disease, demyelinating, autosomal recessive, type 4a. Identifiers: Orphanet 99948, MedGen C1859198, MONDO:0008961, OMIM 214400.

Submission:

Neuberg Centre For Genomic Medicine, NCGM
Classification: Likely pathogenic for Charcot-Marie-Tooth disease type 4A. Review status: criteria provided, single submitter. Criteria: ACMG Guidelines, 2015. Collection method: clinical testing. Allele origin: germline. Inheritance: Autosomal recessive inheritance. Affected: yes.
Comment: The frameshift variant c.246_256del (p.Gly83AsnfsTer3) in the GDAP1 gene has not been reported previously as a pathogenic variant nor as a benign variant, to our knowledge. The variant is novel (not in any individuals) in gnomAD Exomes and 1000 Genomes. This variant is predicted to cause loss of normal protein function through protein truncation. Loss of function variants have been previously reported to be disease causing. For these reasons, this variant has been classified as Likely Pathogenic.